The following is an entry in ClinVar:

ClinVar aggregate classification (germline): Likely benign (0 of 4 stars; one submission).

Conditions:
COL6A2-related disorder.

gnomAD v4.1: 6 of 1,613,062 alleles (0.00037%); highest among the groups gnomAD compares: Non-Finnish European, 0.00042%; no homozygotes.

Submission:

PreventionGenetics, part of Exact Sciences
Classification: Likely benign for COL6A2-related condition. Last evaluated: 2024-06-20. Review status: no assertion criteria provided. Collection method: clinical testing. Allele origin: germline.
Comment: This variant is classified as likely benign based on ACMG/AMP sequence variant interpretation guidelines (Richards et al. 2015 PMID: 25741868, with internal and published modifications).

NM_001849.4(COL6A2):c.954+46G>T

Gene: COL6A2 (collagen type VI alpha 2 chain; plus strand). Cytogenetic location: 21q22.3.
Variant type: single nucleotide variant.
Coding change: c.954+46G>T on transcript NM_001849.4 (MANE Select); 46 bases into the intron after coding-DNA position 954, G replaced by T.
Molecular consequence: intron variant.
Genome position (GRCh38, 1-based): chr21:46,116,723, G>T. VCF-style: chr21-46116723-G-T. GRCh37 (hg19) VCF-style: chr21-47536637-G-T.
Other names: c.954+46G>T (NM_058175.3, NM_058174.3).
Identifiers: ClinVar variation 3352074 (VCV003352074.1).